The following is an entry in ClinVar:

NM_183050.4(BCKDHB):c.223del (p.Gln75fs)

Gene: BCKDHB (branched chain keto acid dehydrogenase E1 subunit beta; plus strand). Cytogenetic location: 6q14.1.
Variant type: Deletion.
Coding change: c.223del on transcript NM_183050.4 (MANE Select); coding-DNA position 223, one base deleted (C; older notation c.223delC).
Protein change: p.Gln75fs; shifts the reading frame from glutamine 75.
Molecular consequence: frameshift variant. On other transcripts: non-coding transcript variant (6).
Genome position (GRCh38, 1-based): chr6:80,127,573, C deleted; the last of 2 consecutive C bases (chr6:80,127,572-80,127,573); deleting either gives the same sequence. VCF-style (leftmost placement, unchanged base first): chr6-80127571-TC-T. GRCh37 (hg19) VCF-style: chr6-80837288-TC-T.
Other names: c.223del, p.Gln75fs (NM_000056.5, NM_001424035.1, NM_001424036.1 and 8 more transcripts); c.13del, p.Gln5fs (NM_001318975.1, NM_001424043.1); short protein forms Q5fs, Q75fs.
Identifiers: ClinVar variation 5013526 (VCV005013526.1).

ClinVar aggregate classification (germline): Pathogenic (1 of 4 stars; one submission).

Conditions:
Maple syrup urine disease type 1B (MSUD1B). Also called: MSUD type IB; MSUD type 3 (formerly); MSUD due to deficiency of e1-beta subunit of branched-chain alpha-keto acid dehydrogenase complex. Identifiers: MedGen C2930990, MONDO:0023692, OMIM 620698.

Submission:

Myriad Genetics, Inc.
Classification: Pathogenic for Maple syrup urine disease type 1B. Last evaluated: 2024-09-03. Review status: criteria provided, single submitter. Criteria: Myriad Autosomal Dominant, Autosomal Recessive and X-Linked Classification Criteria (2023). Collection method: clinical testing. Allele origin: unknown.
Comment: NM_183050.2(BCKDHB):c.223delC(Q75Sfs*3) is expected to be pathogenic in the context of maple syrup urine disease type Ib. This variant is predicted to lead to an abnormal or absent protein product due to the creation of a premature termination codon in BCKDHB, a gene where loss-of-function variants are known to be pathogenic. Please note: this variant was assessed in the context of healthy population screening.